The following is an entry in ClinVar:

NM_000179.3(MSH6):c.3740C>T (p.Thr1247Ile)

Gene: MSH6 (mutS homolog 6; plus strand). Cytogenetic location: 2p16.3.
Variant type: single nucleotide variant.
Coding change: c.3740C>T on transcript NM_000179.3 (MANE Select); coding-DNA position 3740, C replaced by T.
Protein change: p.Thr1247Ile; replaces threonine 1247 with isoleucine.
Molecular consequence: missense variant.
Genome position (GRCh38, 1-based): chr2:47,806,297, C>T. VCF-style: chr2-47806297-C-T. GRCh37 (hg19) VCF-style: chr2-48033436-C-T.
Other names: c.3350C>T, p.Thr1117Ile (NM_001281492.2); c.2834C>T, p.Thr945Ile (NM_001281493.2, NM_001281494.2); short protein forms T945I, T1117I, T1247I.
Identifiers: ClinVar variation 933158 (VCV000933158.2), dbSNP rs786204182, ClinGen allele CA346761055.

ClinVar aggregate classification (germline): Uncertain significance. Review status: criteria provided, multiple submitters, no conflicts (2 of 4 stars). 2 submissions from 2 submitters: Uncertain significance (2). Last evaluated 2024-11-22.

Conditions:
Hereditary cancer-predisposing syndrome. Also called: Neoplastic Syndromes, Hereditary; Hereditary Cancer Syndrome; Hereditary neoplastic syndrome; Tumor predisposition. Identifiers: Orphanet 140162, MedGen C0027672, MeSH D009386, MONDO:0015356.

Submissions (2):

Ambry Genetics
Classification: Uncertain significance for Hereditary cancer-predisposing syndrome. Last evaluated: 2024-11-22. Review status: criteria provided, single submitter. Criteria: Ambry Variant Classification Scheme 2023. Collection method: clinical testing. Allele origin: germline.
Comment: The p.T1247I variant (also known as c.3740C>T), located in coding exon 8 of the MSH6 gene, results from a C to T substitution at nucleotide position 3740. The threonine at codon 1247 is replaced by isoleucine, an amino acid with similar properties. This amino acid position is conserved. In addition, this alteration is predicted to be deleterious by in silico analysis. Based on the available evidence, the clinical significance of this variant remains unclear.

Women's Health and Genetics/Laboratory Corporation of America, LabCorp
Classification: Uncertain significance. Last evaluated: 2020-06-22. Review status: criteria provided, single submitter. Criteria: LabCorp Variant Classification Summary - May 2015. Collection method: clinical testing. Allele origin: germline.
Comment: Variant summary: MSH6 c.3740C>T (p.Thr1247Ile) results in a non-conservative amino acid change located in the DNA mismatch repair protein MutS, C-terminal domain (IPR000432) of the encoded protein sequence. Five of five in-silico tools predict a damaging effect of the variant on protein function. The variant was absent in 251206 control chromosomes (gnomAD). The available data on variant occurrences in the general population are insufficient to allow any conclusion about variant significance. To our knowledge, no occurrence of c.3740C>T in individuals affected with Lynch Syndrome and no experimental evidence demonstrating its impact on protein function have been reported. No clinical diagnostic laboratories have submitted clinical-significance assessments for this variant to ClinVar after 2014. Based on the evidence outlined above, the variant was classified as uncertain significance.